The following is an entry in ClinVar:

ClinVar aggregate classification (germline): Benign/Likely benign. Review status: criteria provided, multiple submitters, no conflicts (2 of 4 stars). 10 submissions from 10 submitters: Benign (9); Likely benign (1). Last evaluated 2026-07-10.

Conditions:
Hereditary cancer-predisposing syndrome. Also called: Hereditary Cancer Syndrome; Tumor predisposition; Hereditary neoplastic syndrome; Neoplastic Syndromes, Hereditary. Identifiers: Orphanet 140162, MedGen C0027672, MeSH D009386, MONDO:0015356.
Intellectual disability, autosomal dominant 16 (CSS4). Also called: COFFIN-SIRIS SYNDROME 4. Identifiers: Orphanet 1465, MedGen C3553249, MONDO:0013821, OMIM 614609.
Rhabdoid tumor predisposition syndrome 2 (RTPS2). Identifiers: Orphanet 231108, Orphanet 69077, MedGen C2750074, MONDO:0013224, OMIM 613325.

Allele frequency attached by ClinVar (database versions not stated): ESP Exome Variant Server 0.06036; 1000 Genomes Project 0.06090; ExAC 0.06746; 1000 Genomes Project 30x 0.05903; gnomAD 0.06144; gnomAD exomes 0.06572 and 0.06700; TOPMed 0.05601.
gnomAD v4.1: 107,123 of 1,611,630 alleles (6.6%); highest among the groups gnomAD compares: South Asian, 11%; 3,990 homozygotes.

Submissions (10):

Myriad Genetics, Inc.
Classification: Benign for Rhabdoid tumor predisposition syndrome 2. Last evaluated: 2026-07-10. Review status: criteria provided, single submitter. Criteria: Myriad Autosomal Dominant, Autosomal Recessive and X-Linked Classification Criteria (2023). Collection method: clinical testing. Allele origin: unknown.
Comment: This variant is considered benign. This variant is intronic and is not expected to impact mRNA splicing. This variant has been observed at a population frequency that is significantly greater than expected given the associated disease prevalence and penetrance.

Labcorp Genetics (formerly Invitae), Labcorp
Classification: Benign for Rhabdoid tumor predisposition syndrome 2. Last evaluated: 2026-02-04. Review status: criteria provided, single submitter. Criteria: Invitae Variant Classification Sherloc (09022015). Collection method: clinical testing. Allele origin: germline.

GeneKor MSA
Classification: Benign for Hereditary cancer-predisposing syndrome. Last evaluated: 2025-07-10. Review status: criteria provided, single submitter. Criteria: ACMG Guidelines, 2015. Collection method: clinical testing. Allele origin: germline.

Molecular Diagnostics Laboratory, Catalan Institute of Oncology
Classification: Benign for Hereditary cancer-predisposing syndrome. Last evaluated: 2025-03-25. Review status: criteria provided, single submitter. Criteria: ACMG Guidelines, 2015. Collection method: clinical testing. Allele origin: germline.
Comment: BA1 c.1944-19G>T located in intron 2 of the SMARCA4 gene close to a canonical splice site.The SpliceAI algorithm predicts no significant impact on splicing. The variant allele was found in 17570/268308 alleles (713 homozygotes), with a filter allele frequency of 6.47% at 99% confidence in the gnomAD v2.1.1 database (non-cancer data set)(BA1). To our knowledge, neither relevant clinical data nor functional studies have been reported for this variant. This variant has been identified in the ClinVar database (6x benign) and in the LOVD database (1x benign, 1x likely benign). Based on currently available information, the variant c.1944-19G>T is classified as a benign variant according ACMG guidelines.

Blueprint Genetics
Classification: Likely benign. Last evaluated: 2024-11-28. Review status: criteria provided, single submitter. Criteria: ACMG Guidelines, 2015. Collection method: clinical testing. Allele origin: germline.

Genome-Nilou Lab
Classification: Benign for Intellectual disability, autosomal dominant 16. Last evaluated: 2021-07-15. Review status: criteria provided, single submitter. Criteria: ACMG Guidelines, 2015. Collection method: clinical testing. Allele origin: germline. Affected: no.

GeneDx
Classification: Benign. Last evaluated: 2016-03-01. Review status: criteria provided, single submitter. Criteria: GeneDx Variant Classification (06012015). Collection method: clinical testing. Allele origin: germline. Affected: yes.
Comment: This variant is considered likely benign or benign based on one or more of the following criteria: it is a conservative change, it occurs at a poorly conserved position in the protein, it is predicted to be benign by multiple in silico algorithms, and/or has population frequency not consistent with disease.

Ambry Genetics
Classification: Benign for Hereditary cancer-predisposing syndrome. Last evaluated: 2015-05-20. Review status: criteria provided, single submitter. Criteria: Ambry Variant Classification Scheme 2023. Collection method: clinical testing. Allele origin: germline.

Breakthrough Genomics
Classification: Benign. Review status: criteria provided, single submitter. Criteria: ACMG Guidelines, 2015. Collection method: not provided. Allele origin: germline. Inheritance: Autosomal dominant inheritance. Affected: yes.

PreventionGenetics, part of Exact Sciences
Classification: Benign. Review status: criteria provided, single submitter. Criteria: ACMG Guidelines, 2015. Collection method: clinical testing. Allele origin: germline.

NM_003072.5(SMARCA4):c.1944-19G>T

Gene: SMARCA4 (SWI/SNF related BAF chromatin remodeling complex subunit ATPase 4; plus strand). Cytogenetic location: 19p13.2.
Variant type: single nucleotide variant.
Coding change: c.1944-19G>T on transcript NM_003072.5 (MANE Select); 19 bases into the intron before coding-DNA position 1944, G replaced by T.
Molecular consequence: intron variant.
Genome position (GRCh38, 1-based): chr19:11,003,321, G>T. VCF-style: chr19-11003321-G-T. GRCh37 (hg19) VCF-style: chr19-11113997-G-T.
Other names: c.1944-19G>T (NM_001128844.3, NM_001128849.3, NM_001128847.4 and 5 more transcripts).
Identifiers: ClinVar variation 257530 (VCV000257530.18), dbSNP rs74942410, ClinGen allele CA9203952.